The following is an entry in ClinVar:

ClinVar aggregate classification (germline): Benign/Likely benign. Review status: criteria provided, multiple submitters, no conflicts (2 of 4 stars). 6 submissions from 6 submitters: Benign (4); Likely benign (2). Last evaluated 2026-03-01.

Conditions:
Ehlers-Danlos syndrome (EDS). Identifiers: Orphanet 98249, MedGen C0013720, MONDO:0020066.

Allele frequency attached by ClinVar (database versions not stated): TOPMed 0.00334; gnomAD 0.00337 and 0.00386; ESP Exome Variant Server 0.00344; gnomAD exomes 0.00365; 1000 Genomes Project 0.00619; 1000 Genomes Project 30x 0.00625.
gnomAD v4.1: 5,952 of 1,613,578 alleles (0.37%); highest among the groups gnomAD compares: South Asian, 1.3%; 26 homozygotes.

Submissions (6):

CeGaT Center for Human Genetics Tuebingen
Classification: Benign. Last evaluated: 2026-03-01. Review status: criteria provided, single submitter. Criteria: CeGaT Center For Human Genetics Tuebingen Variant Classification Criteria Version 2. Collection method: clinical testing. Allele origin: germline. Affected: yes. Observed: 12 variant alleles.
Comment: TNXB: BP4, BS1, BS2

Labcorp Genetics (formerly Invitae), Labcorp
Classification: Benign. Last evaluated: 2026-02-01. Review status: criteria provided, single submitter. Criteria: Invitae Variant Classification Sherloc (09022015). Collection method: clinical testing. Allele origin: germline.

Mayo Clinic Laboratories, Mayo Clinic
Classification: Benign. Last evaluated: 2023-01-12. Review status: criteria provided, single submitter. Criteria: ACMG Guidelines, 2015. Collection method: clinical testing. Allele origin: germline. Observed: 22 variant alleles.
Comment: BS1, BS2, BP4

Genome Diagnostics Laboratory, The Hospital for Sick Children
Classification: Benign for Ehlers-Danlos syndrome. Last evaluated: 2022-03-17. Review status: criteria provided, single submitter. Criteria: ACMG Guidelines, 2015. Collection method: clinical testing. Allele origin: germline.

GeneDx
Classification: Likely benign. Last evaluated: 2018-07-09. Review status: criteria provided, single submitter. Criteria: GeneDx Variant Classification Process June 2021. Collection method: clinical testing. Allele origin: germline. Affected: yes.

Breakthrough Genomics
Classification: Likely benign. Review status: criteria provided, single submitter. Criteria: ACMG Guidelines, 2015. Collection method: not provided. Allele origin: germline. Inheritance: Autosomal recessive inheritance. Affected: yes.

NM_001365276.2(TNXB):c.11417A>G (p.Gln3806Arg)

Genes: TNXB (tenascin XB; minus strand), LOC106780803 (tenascin XB recombination region; plus strand). Cytogenetic location: 6p21.33.
Variant type: single nucleotide variant.
Coding change: c.11417A>G on transcript NM_001365276.2 (MANE Select); coding-DNA position 11417, A replaced by G.
Protein change: p.Gln3806Arg; replaces glutamine 3806 with arginine.
Molecular consequence: missense variant.
Genome position (GRCh38, 1-based): chr6:32,043,862, T>C on the plus strand (A>G on the coding strand, the complement: TNXB is on the minus strand). VCF-style: chr6-32043862-T-C. GRCh37 (hg19) VCF-style: chr6-32011639-T-C.
Other names: p.Gln3804Arg; c.11411A>G, p.Gln3804Arg (NM_019105.8); c.704A>G, p.Gln235Arg (NM_032470.4); short protein forms Q235R, Q3804R, Q3806R.
Identifiers: ClinVar variation 1208037 (VCV001208037.32), dbSNP rs2395085, ClinGen allele CA3733015.
Genomic context (GRCh38, chr6:32,043,862, plus strand): 5'-ACCACGGTCACCTCATAGCGAGCGCCTGGGATCAGCCCCTGGAGTTTCTGGGTCCGGGCC[T>C]GGCCATCCACCTGCACACTCTGAGGCTCCCCTGAAAACATTGGGGATCGAGGGTTACCCA-3'
Protein context (NP_001352205.1, residues 3796-3816): GEPQSVQVDG[Gln3806Arg]ARTQKLQGLI